The following is an entry in ClinVar:

ClinVar aggregate classification (germline): Uncertain significance (1 of 4 stars; one submission).

Conditions:
DTNA-related disorder. Also called: DTNA-related condition.

gnomAD v4.1: 31 of 1,534,792 alleles (0.002%); highest among the groups gnomAD compares: African/African-American, 0.041%; no homozygotes.

Submission:

PreventionGenetics, part of Exact Sciences
Classification: Uncertain significance for DTNA-related condition. Last evaluated: 2026-01-23. Review status: criteria provided, single submitter. Criteria: ACMG Guidelines, 2015. Collection method: clinical testing. Allele origin: germline.
Comment: The DTNA c.161C>T variant is predicted to result in the amino acid substitution p.Pro54Leu. To our knowledge, this variant has not been reported in the literature. This variant is reported in 0.040% of alleles in individuals of African descent in gnomAD. Although we suspect that this variant may be benign, at this time, the clinical significance of this variant is uncertain due to the absence of conclusive functional and genetic evidence.

NM_001386795.1(DTNA):c.1115C>T (p.Pro372Leu)

Gene: DTNA (dystrobrevin alpha; plus strand). Cytogenetic location: 18q12.1.
Variant type: single nucleotide variant.
Coding change: c.1115C>T on transcript NM_001386795.1 (MANE Select); coding-DNA position 1115, C replaced by T.
Protein change: p.Pro372Leu; replaces proline 372 with leucine.
Molecular consequence: missense variant. On other transcripts: intron variant (27).
Genome position (GRCh38, 1-based): chr18:34,829,429, C>T. VCF-style: chr18-34829429-C-T. GRCh37 (hg19) VCF-style: chr18-32409393-C-T.
Other names: c.161C>T, p.Pro54Leu (NM_001198942.1, NM_001198944.1); c.1115C>T, p.Pro372Leu (NM_001386754.1, NM_001386755.1, NM_001386756.1 and 6 more transcripts); c.1094+1753C>T (NM_032975.4, NM_001386761.1, NM_001386762.1 and 3 more transcripts); c.1085+1753C>T (NM_001386763.1, NM_001386764.1, NM_001386768.1 and 14 more transcripts); c.603+17316C>T (NM_001198945.2); c.335+1753C>T (NM_001198943.1); c.131+1753C>T (NM_032980.4, NM_032981.5); short protein forms P54L, P372L.
Identifiers: ClinVar variation 4980627 (VCV004980627.1).
Genomic context (GRCh38, chr18:34,829,429, plus strand): 5'-TTAATGAGGTCTCATTGTTTGACTCCCTCAGGTTACCTGAGGGAATAAGTGCATCCAGCC[C>T]TGTGGCTGAAGAGCATTCCCTCATAAAGCTGTACGTAAATCAGCTTGATCACGGTGCACG-3'
Protein context (NP_001373724.1, residues 362-382): RLPEGISASS[Pro372Leu]VAEEHSLIKL